The following is an entry in ClinVar:

ClinVar aggregate classification (germline): Likely pathogenic (0 of 4 stars; one submission).

Conditions:
Merosin deficient congenital muscular dystrophy (MDC1A). Also called: Congenital merosin-deficient muscular dystrophy 1A; Congenital Muscular Dystrophy Type 1A (MDC1A). Identifiers: Orphanet 258, MedGen C1263858, MONDO:0011925, OMIM 607855.

Submission:

Department of Medical Genetics, National Institute of Health
Classification: Likely pathogenic for Merosin deficient congenital muscular dystrophy. Last evaluated: 2020-02-17. Review status: no assertion criteria provided. Collection method: clinical testing. Allele origin: germline. Inheritance: Autosomal recessive inheritance. Affected: yes. Observed: 1 homozygote.
Comment: The homozygous missense c.2164G>A p.(Glu722Lys) variant is located in coding exon 15 of the LAMA2 gene, results from a G to A substitution at nucleotide position 2164. This sequence change replaces glutamic acid with lysine at codon 722 of the Laminin-α2 protein. The glutamic acid residue is highly conserved in different species. This variant has not been reported in databases before and also was not found in 138 Moroccan clinical exomes (in-house database). It was classified as Uncertain Significance according to ACMG/AMP criteria with PM2 (absent from controls) and PP3 (computational evidence) but when we added the third rule PP1 (cosegregation with disease in affected family members) the classification was changed to Likely Pathogenic. The genetic diagnosis was compatible with merosin deficient congenital muscular dystrophy phenotype (MDC1A).

NM_000426.4(LAMA2):c.2164G>A (p.Glu722Lys)

Gene: LAMA2 (laminin subunit alpha 2; plus strand). Cytogenetic location: 6q22.33.
Variant type: single nucleotide variant.
Coding change: c.2164G>A on transcript NM_000426.4 (MANE Select); coding-DNA position 2164, G replaced by A.
Protein change: p.Glu722Lys; replaces glutamic acid 722 with lysine.
Molecular consequence: missense variant.
Genome position (GRCh38, 1-based): chr6:129,260,778, G>A. VCF-style: chr6-129260778-G-A.
Other names: c.2164G>A, p.Glu722Lys (NM_001079823.2); short protein forms E722K.
Identifiers: ClinVar variation 1684491 (VCV001684491.2), dbSNP rs2482165302, ClinGen allele CA365608608.